The following is an entry in ClinVar:

ClinVar aggregate classification (germline): Benign. Review status: criteria provided, single submitter (1 of 4 stars). 2 submissions from 2 submitters: Benign (1). 1 of the submissions does not count toward it. Last evaluated 2026-01-27.

Conditions:
DYNC1I1-related disorder. Also called: DYNC1I1-related condition.

Allele frequency attached by ClinVar (database versions not stated): gnomAD exomes 0.00033 and 0.00090; ExAC 0.00116; gnomAD 0.00378 and 0.00404; TOPMed 0.00389; 1000 Genomes Project 0.00419; ESP Exome Variant Server 0.00431; 1000 Genomes Project 30x 0.00515.
gnomAD v4.1: 1,079 of 1,613,066 alleles (0.067%); highest among the groups gnomAD compares: African/African-American, 1.3%; 4 homozygotes.

Submissions (2):

Labcorp Genetics (formerly Invitae), Labcorp
Classification: Benign. Last evaluated: 2026-01-27. Review status: criteria provided, single submitter. Criteria: Invitae Variant Classification Sherloc (09022015). Collection method: clinical testing. Allele origin: germline.

PreventionGenetics, part of Exact Sciences
Classification: Benign for DYNC1I1-related condition. Last evaluated: 2024-08-09. Review status: no assertion criteria provided. Collection method: clinical testing. Allele origin: germline. Not counted in ClinVar's aggregate classification.
Comment: This variant is classified as benign based on ACMG/AMP sequence variant interpretation guidelines (Richards et al. 2015 PMID: 25741868, with internal and published modifications).

NM_001135556.2(DYNC1I1):c.726G>A (p.Glu242=)

Gene: DYNC1I1 (dynein cytoplasmic 1 intermediate chain 1; plus strand). Cytogenetic location: 7q21.3.
Variant type: single nucleotide variant.
Coding change: c.726G>A on transcript NM_001135556.2 (MANE Select); coding-DNA position 726, G replaced by A.
Protein change: p.Glu242=; no amino-acid change (glutamic acid 242 retained).
Molecular consequence: synonymous variant.
Genome position (GRCh38, 1-based): chr7:95,984,960, G>A. VCF-style: chr7-95984960-G-A. GRCh37 (hg19) VCF-style: chr7-95614272-G-A.
Other names: c.666G>A, p.Glu222= (NM_001135557.2, NM_001278422.2); c.717G>A, p.Glu239= (NM_001278421.2); c.777G>A, p.Glu259= (NM_004411.5).
Identifiers: ClinVar variation 783496 (VCV000783496.11), dbSNP rs139485962, ClinGen allele CA4352335.